The following is an entry in ClinVar:

NM_014738.6(TMEM94):c.1128+4C>A

Gene: TMEM94 (transmembrane protein 94; plus strand). Cytogenetic location: 17q25.1.
Variant type: single nucleotide variant.
Coding change: c.1128+4C>A on transcript NM_014738.6 (MANE Select); 4 bases into the intron after coding-DNA position 1128, C replaced by A.
Molecular consequence: intron variant.
Genome position (GRCh38, 1-based): chr17:75,490,762, C>A. VCF-style: chr17-75490762-C-A. GRCh37 (hg19) VCF-style: chr17-73486843-C-A.
Other names: c.1128+4C>A (NM_001321149.2, NM_001351202.2); c.1158+4C>A (NM_001321148.2, NM_001351203.2).
Identifiers: ClinVar variation 3043543 (VCV003043543.2), dbSNP rs762291033, ClinGen allele CA2275535786.
Genomic context (GRCh38, chr17:75,490,762, plus strand): 5'-CTGGCTAAGTTCTCAGAGGATACTCTCAGCAGCTATACGGAGGCTGTCTCCTCTCAGGTA[C>A]AACACTGACCCGGGATGGCTTCTCTCGCAGGTCCCTAGAGCCATAACCCTGGGACTCCCC-3'

ClinVar aggregate classification (germline): Likely benign (0 of 4 stars; one submission).

Conditions:
TMEM94-related disorder. Also called: TMEM94-related condition.

Allele frequency attached by ClinVar (database versions not stated): TOPMed below 0.00001.
gnomAD v4.1: 5 of 1,613,040 alleles (0.00031%); highest among the groups gnomAD compares: South Asian, 0.0055%; no homozygotes.

Submission:

PreventionGenetics, part of Exact Sciences
Classification: Likely benign for TMEM94-related condition. Last evaluated: 2019-06-27. Review status: no assertion criteria provided. Collection method: clinical testing. Allele origin: germline.
Comment: This variant is classified as likely benign based on ACMG/AMP sequence variant interpretation guidelines (Richards et al. 2015 PMID: 25741868, with internal and published modifications).